The following is an entry in ClinVar:

ClinVar aggregate classification (germline): Uncertain significance (1 of 4 stars; one submission).

Conditions:
Joubert syndrome 23 (JBTS23). Identifiers: Orphanet 475, MedGen C4084822, MONDO:0014664, OMIM 616490.
Short-rib thoracic dysplasia 14 with polydactyly (SRTD14). Identifiers: Orphanet 397715, MedGen C4225286, MONDO:0014688, OMIM 616546.

Allele frequency attached by ClinVar (database versions not stated): gnomAD exomes below 0.00001; ExAC 0.00001; gnomAD 0.00001; TOPMed 0.00003; ESP Exome Variant Server 0.00008.

Submission:

Labcorp Genetics (formerly Invitae), Labcorp
Classification: Uncertain significance for Joubert syndrome 23; Short-rib thoracic dysplasia 14 with polydactyly. Last evaluated: 2023-12-22. Review status: criteria provided, single submitter. Criteria: Invitae Variant Classification Sherloc (09022015). Collection method: clinical testing. Allele origin: germline.
Comment: This sequence change replaces proline, which is neutral and non-polar, with leucine, which is neutral and non-polar, at codon 1101 of the KIAA0586 protein (p.Pro1101Leu). The frequency data for this variant in the population databases is considered unreliable, as metrics indicate poor data quality at this position in the gnomAD database. This variant has not been reported in the literature in individuals affected with KIAA0586-related conditions. ClinVar contains an entry for this variant (Variation ID: 1483796). Algorithms developed to predict the effect of missense changes on protein structure and function output the following: SIFT: "Not Available"; PolyPhen-2: "Benign"; Align-GVGD: "Not Available". The leucine amino acid residue is found in multiple mammalian species, which suggests that this missense change does not adversely affect protein function. In summary, the available evidence is currently insufficient to determine the role of this variant in disease. Therefore, it has been classified as a Variant of Uncertain Significance.

NM_001329943.3(KIAA0586):c.3143C>T (p.Pro1048Leu)

Gene: KIAA0586 (KIAA0586; plus strand). Cytogenetic location: 14q23.1.
Variant type: single nucleotide variant.
Coding change: c.3143C>T on transcript NM_001329943.3 (MANE Select); coding-DNA position 3143, C replaced by T.
Protein change: p.Pro1048Leu; replaces proline 1048 with leucine.
Molecular consequence: missense variant.
Genome position (GRCh38, 1-based): chr14:58,482,711, C>T. VCF-style: chr14-58482711-C-T. GRCh37 (hg19) VCF-style: chr14-58949429-C-T.
Other names: c.3302C>T, p.Pro1101Leu (NM_001244189.2); c.3098C>T, p.Pro1033Leu (NM_001244190.2); c.2888C>T, p.Pro963Leu (NM_001244191.2, NM_001329945.2, NM_001364700.1 and 1 more transcripts); c.3011C>T, p.Pro1004Leu (NM_001244192.2); c.2723C>T, p.Pro908Leu (NM_001244193.2); c.3143C>T, p.Pro1048Leu (NM_001329944.2, NM_001329946.2, NM_001329947.2); c.2915C>T, p.Pro972Leu (NM_014749.5); short protein forms P1101L, P1048L, P963L, P972L, P1004L, P1033L, P908L.
Identifiers: ClinVar variation 1483796 (VCV001483796.5), dbSNP rs369859399, ClinGen allele CA7206061.
Genomic context (GRCh38, chr14:58,482,711, plus strand): 5'-AGCAAGGTCCTGTTGCTACAGGTGTTTCTGGGGATGCTTCAACAAATGAAACATATTTGC[C>T]GGTATGGGGAATTTTTGAGACATTTATTGAAGAATAGTAAAATAGATGAATTTTAAGCTG-3'
Protein context (NP_001316872.1, residues 1038-1058): GDASTNETYL[Pro1048Leu]ARVCTPLPTP